The following is an entry in ClinVar:

NM_000551.4(VHL):c.464-3C>A

Genes: VHL (von Hippel-Lindau tumor suppressor; plus strand), LOC107303340 (3p25 von Hippel-Lindau tumor suppressor, E3 ubiquitin protein ligase Alu-mediated recombination region; plus strand). Cytogenetic location: 3p25.3.
Variant type: single nucleotide variant.
Coding change: c.464-3C>A on transcript NM_000551.4 (MANE Select); 3 bases into the intron before coding-DNA position 464, C replaced by A.
Molecular consequence: intron variant.
Genome position (GRCh38, 1-based): chr3:10,149,784, C>A. VCF-style: chr3-10149784-C-A. GRCh37 (hg19) VCF-style: chr3-10191468-C-A.
Other names: c.*18-3C>A (NM_001354723.2); c.341-3C>A (NM_198156.3).
Identifiers: ClinVar variation 1313685 (VCV001313685.4), dbSNP rs904414377, ClinGen allele CA2573052053.

ClinVar aggregate classification (germline): Uncertain significance. Review status: criteria provided, multiple submitters, no conflicts (2 of 4 stars). 2 submissions from 2 submitters: Uncertain significance (2). Last evaluated 2024-08-04.

Conditions:
Von Hippel-Lindau syndrome (VHLS). Also called: von Hippel–Lindau syndrome; Von Hippel-Lindau; VHL syndrome. Identifiers: Orphanet 892, MedGen C0019562, MONDO:0008667, OMIM 193300. Disease mechanism: loss of function.
Chuvash polycythemia. Also called: POLYCYTHEMIA, VHL-DEPENDENT. Identifiers: Orphanet 238557, MedGen C1837915, MONDO:0009892, OMIM 263400.

Submissions (2):

Labcorp Genetics (formerly Invitae), Labcorp
Classification: Uncertain significance for Von Hippel-Lindau syndrome; Chuvash polycythemia. Last evaluated: 2024-08-04. Review status: criteria provided, single submitter. Criteria: Invitae Variant Classification Sherloc (09022015). Collection method: clinical testing. Allele origin: germline.
Comment: This sequence change falls in intron 2 of the VHL gene. It does not directly change the encoded amino acid sequence of the VHL protein. It affects a nucleotide within the consensus splice site. This variant is not present in population databases (gnomAD no frequency). This variant has not been reported in the literature in individuals affected with VHL-related conditions. ClinVar contains an entry for this variant (Variation ID: 1313685). Variants that disrupt the consensus splice site are a relatively common cause of aberrant splicing (PMID: 17576681, 9536098). Algorithms developed to predict the effect of sequence changes on RNA splicing suggest that this variant may disrupt the consensus splice site. In summary, the available evidence is currently insufficient to determine the role of this variant in disease. Therefore, it has been classified as a Variant of Uncertain Significance.

GeneDx
Classification: Uncertain significance. Last evaluated: 2020-11-20. Review status: criteria provided, single submitter. Criteria: GeneDx Variant Classification Process June 2021. Collection method: clinical testing. Allele origin: germline. Affected: yes.
Comment: Has not been previously published as pathogenic or benign to our knowledge; Not observed in large population cohorts (Lek 2016); In silico analysis supports a deleterious effect on splicing

Literature cited by the submitters: PubMed 17576681 (cited by Labcorp Genetics (formerly Invitae), Labcorp); PubMed 9536098 (cited by Labcorp Genetics (formerly Invitae), Labcorp).